The following is an entry in ClinVar:

NM_080680.3(COL11A2):c.4338+5G>A

Gene: COL11A2 (collagen type XI alpha 2 chain; minus strand). Cytogenetic location: 6p21.32.
Variant type: single nucleotide variant.
Coding change: c.4338+5G>A on transcript NM_080680.3 (MANE Select); 5 bases into the intron after coding-DNA position 4338, G replaced by A.
Molecular consequence: intron variant.
Genome position (GRCh38, 1-based): chr6:33,166,715, C>T on the plus strand (G>A on the coding strand, the complement: COL11A2 is on the minus strand). VCF-style: chr6-33166715-C-T. GRCh37 (hg19) VCF-style: chr6-33134492-C-T.
Other names: c.4017+5G>A (NM_080679.3); c.4080+5G>A (NM_080681.3).
Identifiers: ClinVar variation 1065024 (VCV001065024.7), dbSNP rs2150522213, ClinGen allele CA2499218216.
Genomic context (GRCh38, chr6:33,166,715, plus strand): 5'-CAACTCCACCCCTCTCCACCCCACTCTCAACCCCCACAACTTCCGGGACCATGCCCTCTA[C>T]TCACCATCTCACCCTTCTGCCCAGGGGAGCCCTGAGGCCCAGGAAGTCCCCGATCTCCCT-3'

ClinVar aggregate classification (germline): Conflicting classifications of pathogenicity. Review status: criteria provided, conflicting classifications (1 of 4 stars). 3 submissions from 3 submitters: Uncertain significance (2); Likely benign (1). Last evaluated 2024-09-30.

Conditions:
Hearing impairment. Also called: Impaired Hearing. Identifiers: MedGen C1384666, MONDO:0005365, HP:0000365.

Submissions (3):

GeneDx
Classification: Uncertain significance. Last evaluated: 2024-09-30. Review status: criteria provided, single submitter. Criteria: GeneDx Variant Classification Process June 2021. Collection method: clinical testing. Allele origin: germline. Affected: yes.
Comment: Intronic +5 splice site variant in a gene for which loss of function is a known mechanism of disease, and both splice predictors and evolutionary conservation support a deleterious effect, although in the absence of functional evidence the actual effect of this sequence change is unknown.; Not observed at significant frequency in large population cohorts (gnomAD); Has not been previously published as pathogenic or benign to our knowledge

Labcorp Genetics (formerly Invitae), Labcorp
Classification: Uncertain significance. Last evaluated: 2023-12-23. Review status: criteria provided, single submitter. Criteria: Invitae Variant Classification Sherloc (09022015). Collection method: clinical testing. Allele origin: germline.
Comment: This sequence change falls in intron 59 of the COL11A2 gene. It does not directly change the encoded amino acid sequence of the COL11A2 protein. It affects a nucleotide within the consensus splice site. This variant is not present in population databases (gnomAD no frequency). This variant has been observed in individual(s) with early onset deafness (Invitae). ClinVar contains an entry for this variant (Variation ID: 1065024). Variants that disrupt the consensus splice site are a relatively common cause of aberrant splicing (PMID: 17576681, 9536098). Algorithms developed to predict the effect of sequence changes on RNA splicing suggest that this variant may disrupt the consensus splice site. In summary, the available evidence is currently insufficient to determine the role of this variant in disease. Therefore, it has been classified as a Variant of Uncertain Significance.

Department of Otolaryngology – Head & Neck Surgery, Cochlear Implant Center
Classification: Likely benign for Hearing impairment. Last evaluated: 2021-04-12. Review status: criteria provided, single submitter. Criteria: ClinGen HL ACMG Specifications v1. Collection method: clinical testing. Allele origin: germline. Affected: yes.
Comment: PM2_Moderate

Literature cited by the submitters: PubMed 17576681 (cited by Labcorp Genetics (formerly Invitae), Labcorp); PubMed 9536098 (cited by Labcorp Genetics (formerly Invitae), Labcorp).